The following is an entry in ClinVar:

NM_000489.6(ATRX):c.1236C>A (p.Asp412Glu)

Gene: ATRX (ATRX chromatin remodeler; minus strand). Cytogenetic location: Xq21.1.
Variant type: single nucleotide variant.
Coding change: c.1236C>A on transcript NM_000489.6 (MANE Select); coding-DNA position 1236, C replaced by A.
Protein change: p.Asp412Glu; replaces aspartic acid 412 with glutamic acid.
Molecular consequence: missense variant.
Genome position (GRCh38, 1-based): chrX:77,684,020, G>T on the plus strand (C>A on the coding strand, the complement: ATRX is on the minus strand). VCF-style: chrX-77684020-G-T. GRCh37 (hg19) VCF-style: chrX-76939512-G-T.
Other names: c.1122C>A, p.Asp374Glu (NM_138270.5); short protein forms D412E, D374E.
Identifiers: ClinVar variation 389089 (VCV000389089.9), dbSNP rs951634317, ClinGen allele CA16608596.
Genomic context (GRCh38, chrX:77,684,020, plus strand): 5'-ATGCTCTTTGGTATTTTTCTCTTTGTTTACAGCATCCATCGCTCGAAACTCGGAATTTAA[G>T]TCTTCTTCCAATGCAAGATGAGCCTTCTTAATATCAGCCAACACAGACTTAAAAGCCTTA-3'
Protein context (NP_000480.3, residues 402-422): IKKAHLALEE[Asp412Glu]LNSEFRAMDA

ClinVar aggregate classification (germline): Uncertain significance. Review status: criteria provided, multiple submitters, no conflicts (2 of 4 stars). 4 submissions from 4 submitters: Uncertain significance (3). 1 of the submissions does not count toward it. Last evaluated 2025-02-17.

Conditions:
Inborn genetic diseases. Identifiers: MedGen C0950123, MeSH D030342.
Alpha thalassemia-X-linked intellectual disability syndrome (ATRX). Also called: ALPHA-THALASSEMIA/MENTAL RETARDATION SYNDROME, X-LINKED; X-linked alpha-thalassemia-mental retardation syndrome; ATR-X syndrome; Alpha thalassemia mental retardation syndrome, nondeletion type, X-linked; XLMR hypotonic face syndrome; ATR, NONDELETION TYPE. Identifiers: Orphanet 847, MedGen C1845055, MONDO:0010519, OMIM 301040.

Allele frequency attached by ClinVar (database versions not stated): gnomAD 0.00001; TOPMed 0.00002.
gnomAD v4.1: 12 of 1,204,102 alleles (0.001%); highest among the groups gnomAD compares: Admixed American, 0.0022%; no homozygotes.

Submissions (4):

Labcorp Genetics (formerly Invitae), Labcorp
Classification: Uncertain significance for Alpha thalassemia-X-linked intellectual disability syndrome. Last evaluated: 2025-02-17. Review status: criteria provided, single submitter. Criteria: Invitae Variant Classification Sherloc (09022015). Collection method: clinical testing. Allele origin: germline.
Comment: This sequence change replaces aspartic acid, which is acidic and polar, with glutamic acid, which is acidic and polar, at codon 412 of the ATRX protein (p.Asp412Glu). This variant is not present in population databases (gnomAD no frequency). This variant has not been reported in the literature in individuals affected with ATRX-related conditions. ClinVar contains an entry for this variant (Variation ID: 389089). Invitae Evidence Modeling of protein sequence and biophysical properties (such as structural, functional, and spatial information, amino acid conservation, physicochemical variation, residue mobility, and thermodynamic stability) indicates that this missense variant is not expected to disrupt ATRX protein function with a negative predictive value of 95%. In summary, the available evidence is currently insufficient to determine the role of this variant in disease. Therefore, it has been classified as a Variant of Uncertain Significance.

Ambry Genetics
Classification: Uncertain significance for Inborn genetic diseases. Last evaluated: 2019-11-22. Review status: criteria provided, single submitter. Criteria: Ambry Variant Classification Scheme 2023. Collection method: clinical testing. Allele origin: germline.
Comment: The p.D412E variant (also known as c.1236C>A), located in coding exon 9 of the ATRX gene, results from a C to A substitution at nucleotide position 1236. The aspartic acid at codon 412 is replaced by glutamic acid, an amino acid with highly similar properties. This amino acid position is poorly conserved in available vertebrate species. In addition, this alteration is predicted to be tolerated by in silico analysis. Since supporting evidence is limited at this time, the clinical significance of this alteration remains unclear.

GeneDx
Classification: Uncertain significance. Last evaluated: 2016-09-14. Review status: criteria provided, single submitter. Criteria: GeneDx Variant Classification (06012015). Collection method: clinical testing. Allele origin: germline. Affected: yes.
Comment: The D412E variant in the ATRX gene has not been reported previously as a pathogenic variant, nor as a benign variant, to our knowledge. The D412E variant was not observed in approximately 6,500 individuals of European and African American ancestry in the NHLBI Exome Sequencing Project, indicating it is not a common benign variant in these populations. The D412E variant is a conservative amino acid substitution, which is not likely to impact secondary protein structure as these residues share similar properties. This substitution occurs at a position that is not conserved, and in silico analysis predicts this variant likely does not alter the protein structure/function. We interpret D412E as a variant of uncertain significance.

Natera, Inc.
Classification: Uncertain significance for X-linked alpha-thalassemia-mental retardation syndrome. Last evaluated: 2020-12-31. Review status: no assertion criteria provided. Collection method: clinical testing. Allele origin: germline. Not counted in ClinVar's aggregate classification.